The following is an entry in ClinVar:

NM_001256789.3(CACNA1F):c.521+1G>A

Gene: CACNA1F (calcium voltage-gated channel subunit alpha1 F; minus strand). Cytogenetic location: Xp11.23.
Variant type: single nucleotide variant.
Coding change: c.521+1G>A on transcript NM_001256789.3 (MANE Select); the canonical splice donor site of the intron after coding-DNA position 521, G replaced by A.
Molecular consequence: splice donor variant.
Genome position (GRCh38, 1-based): chrX:49,230,849, C>T on the plus strand (G>A on the coding strand, the complement: CACNA1F is on the minus strand). VCF-style: chrX-49230849-C-T. GRCh37 (hg19) VCF-style: chrX-49087311-C-T.
Other names: c.521+1G>A (NM_005183.4); c.326+1G>A (NM_001256790.3).
Identifiers: ClinVar variation 2114886 (VCV002114886.4), dbSNP rs2519139321, ClinGen allele CA412925725.

ClinVar aggregate classification (germline): Likely pathogenic (1 of 4 stars; one submission).

Submission:

Labcorp Genetics (formerly Invitae), Labcorp
Classification: Likely pathogenic. Last evaluated: 2022-03-20. Review status: criteria provided, single submitter. Criteria: Invitae Variant Classification Sherloc (09022015). Collection method: clinical testing. Allele origin: germline.
Comment: In summary, the currently available evidence indicates that the variant is pathogenic, but additional data are needed to prove that conclusively. Therefore, this variant has been classified as Likely Pathogenic. Algorithms developed to predict the effect of sequence changes on RNA splicing suggest that this variant may disrupt the consensus splice site. Disruption of this splice site has been observed in individual(s) with clinical features of cone-rod dystrophy (Invitae). This variant is not present in population databases (gnomAD no frequency). This sequence change affects a donor splice site in intron 4 of the CACNA1F gene. It is expected to disrupt RNA splicing. Variants that disrupt the donor or acceptor splice site typically lead to a loss of protein function (PMID: 16199547), and loss-of-function variants in CACNA1F are known to be pathogenic (PMID: 9662399, 11281458, 17525176, 22194652, 24124559, 26992781).

Literature cited by the submitters: PubMed 16199547; PubMed 9662399; PubMed 11281458; PubMed 17525176; PubMed 22194652; PubMed 24124559; PubMed 26992781.